The following is an entry in ClinVar:

NM_002666.5(PLIN1):c.902C>T (p.Thr301Met)

Gene: PLIN1 (perilipin 1; minus strand). Cytogenetic location: 15q26.1.
Variant type: single nucleotide variant.
Coding change: c.902C>T on transcript NM_002666.5 (MANE Select); coding-DNA position 902, C replaced by T.
Protein change: p.Thr301Met; replaces threonine 301 with methionine.
Molecular consequence: missense variant.
Genome position (GRCh38, 1-based): chr15:89,667,663, G>A on the plus strand (C>T on the coding strand, the complement: PLIN1 is on the minus strand). VCF-style: chr15-89667663-G-A. GRCh37 (hg19) VCF-style: chr15-90210894-G-A.
Other names: p.Thr301Met; c.902C>T, p.Thr301Met (NM_001145311.2); short protein forms T301M.
Identifiers: ClinVar variation 634585 (VCV000634585.30), dbSNP rs74407840, ClinGen allele CA7728898.

ClinVar aggregate classification (germline): Conflicting classifications of pathogenicity. Review status: criteria provided, conflicting classifications (1 of 4 stars). 8 submissions from 8 submitters: Uncertain significance (1); Likely benign (5). 2 of the submissions do not count toward it. Last evaluated 2025-09-19.

Conditions:
PLIN1-related familial partial lipodystrophy. Also called: LIPODYSTROPHY, FAMILIAL PARTIAL, ASSOCIATED WITH PLIN1 MUTATIONS. Identifiers: Orphanet 280356, MedGen C5191005, MONDO:0013478, OMIM 613877.
PLIN1-related disorder. Also called: PLIN1-related condition.
Monogenic diabetes. Identifiers: Orphanet 183625, MedGen C3888631, MONDO:0015967.

Allele frequency attached by ClinVar (database versions not stated): 1000 Genomes Project 30x 0.00094; 1000 Genomes Project 0.00120; gnomAD 0.00237 and 0.00243; TOPMed 0.00253; ESP Exome Variant Server 0.00339.
gnomAD v4.1: 5,130 of 1,606,338 alleles (0.32%); highest among the groups gnomAD compares: Non-Finnish European, 0.4%; 13 homozygotes.

Submissions (8):

Mayo Clinic Laboratories, Mayo Clinic
Classification: Likely benign. Last evaluated: 2025-09-19. Review status: criteria provided, single submitter. Criteria: ACMG Guidelines, 2015. Collection method: clinical testing. Allele origin: germline. Observed: 1 variant allele.
Comment: BS1, BS2, BP4_moderate

Blueprint Genetics
Classification: Likely benign. Last evaluated: 2024-11-26. Review status: criteria provided, single submitter. Criteria: ACMG Guidelines, 2015. Collection method: clinical testing. Allele origin: germline.

CeGaT Center for Human Genetics Tuebingen
Classification: Likely benign. Last evaluated: 2024-10-01. Review status: criteria provided, single submitter. Criteria: CeGaT Center For Human Genetics Tuebingen Variant Classification Criteria Version 2. Collection method: clinical testing. Allele origin: germline. Affected: yes. Observed: 1 variant allele.
Comment: PLIN1: BP4, BS2

Labcorp Genetics (formerly Invitae), Labcorp
Classification: Likely benign. Last evaluated: 2019-12-31. Review status: criteria provided, single submitter. Criteria: Invitae Variant Classification Sherloc (09022015). Collection method: clinical testing. Allele origin: germline.

Genomic Research Center, Shahid Beheshti University of Medical Sciences
Classification: Uncertain significance for Familial partial lipodystrophy 4. Last evaluated: 2019-01-01. Review status: criteria provided, single submitter. Criteria: ACMG Guidelines, 2015. Collection method: clinical testing. Allele origin: unknown. Affected: yes. Observed: 1 variant allele.

Personalized Diabetes Medicine Program, University of Maryland School of Medicine
Classification: Likely benign for Monogenic diabetes. Last evaluated: 2018-04-09. Review status: criteria provided, single submitter. Criteria: ACMG Guidelines, 2015. Collection method: research. Allele origin: unknown. Observed: 1 variant allele, 1 heterozygote.
Comment: ACMG criteria: PP3 (2 predictors), BP4 (7 predictors), REVEL 0.058, BS2 (15 cases and 13 controls in an online resource)=likely benign

Genetic Services Laboratory, University of Chicago
Classification: Likely benign. Last evaluated: 2022-08-08. Review status: no assertion criteria provided. Collection method: clinical testing. Allele origin: germline. Affected: no. Not counted in ClinVar's aggregate classification.

PreventionGenetics, part of Exact Sciences
Classification: Likely benign for PLIN1-related condition. Last evaluated: 2019-06-13. Review status: no assertion criteria provided. Collection method: clinical testing. Allele origin: germline. Not counted in ClinVar's aggregate classification.
Comment: This variant is classified as likely benign based on ACMG/AMP sequence variant interpretation guidelines (Richards et al. 2015 PMID: 25741868, with internal and published modifications).

Literature cited by the submitters: PubMed 24503134 (cited by Mayo Clinic Laboratories, Mayo Clinic).